The following is an entry in ClinVar:

ClinVar aggregate classification (germline): Uncertain significance (1 of 4 stars; one submission).

Conditions:
Drash syndrome (DDS). Also called: NEPHROPATHY, WILMS TUMOR, AND GENITAL ANOMALIES; WILMS TUMOR AND PSEUDO- OR TRUE HERMAPHRODITISM. Identifiers: Orphanet 220, MedGen C0950121, MONDO:0008682, OMIM 194080.
Wilms tumor 1 (WT1). Also called: Wilms tumor, somatic. Identifiers: Orphanet 654, MedGen CN033288, MONDO:0008679, OMIM 194070.
11p partial monosomy syndrome (WAGR). Also called: WAGR Complex; WAGR syndrome; CHROMOSOME 11p13 DELETION SYNDROME; WAGR Spectrum Disorder. Identifiers: Orphanet 893, MedGen C0206115, MONDO:0008681, OMIM 194072.
Frasier syndrome. Identifiers: Orphanet 347, MedGen C0950122, MeSH D052159, MONDO:0007635, OMIM 136680.

Submission:

Labcorp Genetics (formerly Invitae), Labcorp
Classification: Uncertain significance for Wilms tumor 1; Drash syndrome; 11p partial monosomy syndrome; Frasier syndrome. Last evaluated: 2021-09-25. Review status: criteria provided, single submitter. Criteria: Invitae Variant Classification Sherloc (09022015). Collection method: clinical testing. Allele origin: germline.
Comment: The frequency data for this variant in the population databases is considered unreliable, as metrics indicate insufficient coverage at this position in the ExAC database. In summary, the available evidence is currently insufficient to determine the role of this variant in disease. Therefore, it has been classified as a Variant of Uncertain Significance. Experimental studies and prediction algorithms are not available or were not evaluated, and the functional significance of this variant is currently unknown. This variant has not been reported in the literature in individuals affected with WT1-related conditions. This variant, c.375_386dup, results in the insertion of 4 amino acid(s) to the WT1 protein (p.Ala127_Pro130dup), but otherwise preserves the integrity of the reading frame.

NM_024426.6(WT1):c.390_401dup (p.128APPP[3])

Genes: WT1 (WT1 transcription factor; minus strand), LOC107982234 (WT1/WT1-AS bi-directional promoter region; plus strand). Cytogenetic location: 11p13.
Variant type: Duplication.
Coding change: c.390_401dup on transcript NM_024426.6 (MANE Select); coding-DNA positions 390 to 401, 12 bases duplicated (ACCGGCTCCGCC).
Protein change: p.128APPP[3].
Molecular consequence: inframe insertion. On other transcripts: non-coding transcript variant (1).
Genome position (GRCh38, 1-based): chr11:32,434,960-32,434,971, GGCGGAGCCGGT duplicated on the plus strand (ACCGGCTCCGCC on the coding strand, the reverse complement: WT1 is on the minus strand); duplicating any 12 consecutive bases within chr11:32,434,960-32,434,976 gives the same sequence; the c. name uses the placement nearest the transcript's 3' end. VCF-style (leftmost placement, unchanged base first): chr11-32434959-C-CGGCGGAGCCGGT. GRCh37 (hg19) VCF-style: chr11-32456505-C-CGGCGGAGCCGGT.
Other names: c.390_401dup, p.128APPP[3] (NM_000378.6, NM_024424.5).
Identifiers: ClinVar variation 1383125 (VCV001383125.6), dbSNP rs2133103848, ClinGen allele CA2573146228.
Genomic context (GRCh38, chr11:32,434,959, plus strand): 5'-CGCGCCGCCCCAGCTCGGCTCCTGTTTGATGAAGGAGTGAGGCGGCGGCGGCGGGGGTGG[C>CGGCGGAGCCGGT]GGCGGAGCCGGTGGCGGCGCGGGGCCGCCCAACGACCCGTAAGCCGAAGCGCCCGGGGGC-3'